The following is an entry in ClinVar:

NM_015272.5(RPGRIP1L):c.2997A>G (p.Ser999=)

Gene: RPGRIP1L (RPGRIP1 like; minus strand). Cytogenetic location: 16q12.2.
Variant type: single nucleotide variant.
Coding change: c.2997A>G on transcript NM_015272.5 (MANE Select); coding-DNA position 2997, A replaced by G.
Protein change: p.Ser999=; no amino-acid change (serine 999 retained).
Molecular consequence: synonymous variant. On other transcripts: intron variant (2).
Genome position (GRCh38, 1-based): chr16:53,638,373, T>C on the plus strand (A>G on the coding strand, the complement: RPGRIP1L is on the minus strand). VCF-style: chr16-53638373-T-C. GRCh37 (hg19) VCF-style: chr16-53672285-T-C.
Other names: c.2997A>G, p.Ser999= (NM_001308334.3); c.2959-519A>G (NM_001127897.4, NM_001330538.2); c.2997A>G (NM_015272.4).
Identifiers: ClinVar variation 762603 (VCV000762603.17), dbSNP rs1165700039, ClinGen allele CA495538901.
Genomic context (GRCh38, chr16:53,638,373, plus strand): 5'-GGGAACATGTGGAACAGTCAGCATATTAATTTCTATTTCTGGTATATGCTCTACCTCTGG[T>C]GAAATTTCCTTCCTATCTTCAGGAGGAGGAGAAGTCTCCTTATATTAATGTGAAAACACG-3'
Protein context (NP_056087.2, residues 989-1009): SPPPEDRKEI[Ser999=]PEVEHIPEIE

ClinVar aggregate classification (germline): Likely benign. Review status: criteria provided, multiple submitters, no conflicts (2 of 4 stars). 6 submissions from 6 submitters: Likely benign (5). 1 of the submissions does not count toward it. Last evaluated 2026-04-01.

Conditions:
Joubert syndrome. Also called: Familial aplasia of the vermis; JOUBERT-BOLTSHAUSER SYNDROME. Identifiers: Orphanet 475, MedGen C5979921, MONDO:0018772.
RPGRIP1L-related disorder. Also called: RPGRIP1L-related condition; RPGRIP1L-related disorders. Identifiers: MedGen CN239416.
Meckel-Gruber syndrome. Also called: DYSENCEPHALIA SPLANCHNOCYSTICA; GRUBER SYNDROME; Dysencephalia splachnocystica. Identifiers: Orphanet 564, MedGen C0265215, MONDO:0018921.

Allele frequency attached by ClinVar (database versions not stated): gnomAD exomes below 0.00001; gnomAD 0.00001; TOPMed 0.00001.
gnomAD v4.1: 6 of 1,596,994 alleles (0.00038%); highest among the groups gnomAD compares: Middle Eastern, 0.033%; no homozygotes.

Submissions (6):

CeGaT Center for Human Genetics Tuebingen
Classification: Likely benign. Last evaluated: 2026-04-01. Review status: criteria provided, single submitter. Criteria: CeGaT Center For Human Genetics Tuebingen Variant Classification Criteria Version 2. Collection method: clinical testing. Allele origin: germline. Affected: yes. Observed: 1 variant allele.
Comment: RPGRIP1L: BP4, BP7

PreventionGenetics, part of Exact Sciences
Classification: Likely benign for RPGRIP1L-related condition. Last evaluated: 2026-02-10. Review status: criteria provided, single submitter. Criteria: ACMG Guidelines, 2015. Collection method: clinical testing. Allele origin: germline.
Comment: This variant is classified as likely benign based on ACMG/AMP sequence variant interpretation guidelines (Richards et al. 2015 PMID: 25741868, with internal and published modifications).

Labcorp Genetics (formerly Invitae), Labcorp
Classification: Likely benign for Joubert syndrome; Meckel-Gruber syndrome. Last evaluated: 2025-11-25. Review status: criteria provided, single submitter. Criteria: Invitae Variant Classification Sherloc (09022015). Collection method: clinical testing. Allele origin: germline.

Blueprint Genetics
Classification: Likely benign. Last evaluated: 2023-11-01. Review status: criteria provided, single submitter. Criteria: ACMG Guidelines, 2015. Collection method: clinical testing. Allele origin: germline.

Breakthrough Genomics
Classification: Likely benign. Review status: criteria provided, single submitter. Criteria: ACMG Guidelines, 2015. Collection method: not provided. Allele origin: germline. Inheritance: Autosomal recessive inheritance. Affected: yes.

Natera, Inc.
Classification: Likely benign for Joubert syndrome. Last evaluated: 2020-10-21. Review status: no assertion criteria provided. Collection method: clinical testing. Allele origin: germline. Not counted in ClinVar's aggregate classification.